The following is an entry in ClinVar:

NM_021224.6(ZNF462):c.6829C>T (p.Arg2277Ter)

Gene: ZNF462 (zinc finger protein 462; plus strand). Cytogenetic location: 9q31.2.
Variant type: single nucleotide variant.
Coding change: c.6829C>T on transcript NM_021224.6 (MANE Select); coding-DNA position 6829, C replaced by T.
Protein change: p.Arg2277Ter; replaces arginine 2277 with a stop codon.
Molecular consequence: nonsense.
Genome position (GRCh38, 1-based): chr9:106,974,270, C>T. VCF-style: chr9-106974270-C-T. GRCh37 (hg19) VCF-style: chr9-109736551-C-T.
Other names: c.4234C>T, p.Arg1412Ter (NM_001347997.2); short protein forms R1412*, R2277*.
Identifiers: ClinVar variation 2572648 (VCV002572648.1), dbSNP rs996375589, ClinGen allele CA374660263.
Genomic context (GRCh38, chr9:106,974,270, plus strand): 5'-CCTCTCTGCCTCTATCACACCAAATACAAGCGCAACATGATTGACCACATCGTGCTGCAC[C>T]GAGGTAACCTTTCTAACTTGGTTTTCTTGGATGCAGCGGGGGGCAGGCAGCAGAGATGGC-3'

ClinVar aggregate classification (germline): Likely pathogenic (1 of 4 stars; one submission).

Conditions:
Weiss-Kruszka syndrome. Also called: Metopic ridging-ptosis-facial dysmorphism syndrome. Identifiers: Orphanet 502430, MedGen C5568107, MONDO:0032836, OMIM 618619.

Submission:

Laboratory of Medical Genetics, National & Kapodistrian University of Athens
Classification: Likely pathogenic for Weiss-Kruszka syndrome. Last evaluated: 2022-11-10. Review status: criteria provided, single submitter. Criteria: ACMG Guidelines, 2015. Collection method: clinical testing. Allele origin: maternal. Affected: yes.
Comment: PVS1, PM2